The following is an entry in ClinVar:

NM_032043.3(BRIP1):c.1594dup (p.Met532fs)

Gene: BRIP1 (BRCA1 interacting DNA helicase 1; minus strand). Cytogenetic location: 17q23.2.
Variant type: Duplication.
Coding change: c.1594dup on transcript NM_032043.3 (MANE Select); coding-DNA position 1594, one base duplicated (A; older notation c.1594dupA).
Protein change: p.Met532fs; shifts the reading frame from methionine 532.
Molecular consequence: frameshift variant.
Genome position (GRCh38, 1-based): chr17:61,784,304, T duplicated on the plus strand (A on the coding strand, the reverse complement: BRIP1 is on the minus strand). VCF-style (leftmost placement, unchanged base first): chr17-61784303-A-AT. GRCh37 (hg19) VCF-style: chr17-59861664-A-AT.
Other names: c.1594dupA (NM_032043.2, NM_032043.3); short protein forms M532fs.
Identifiers: ClinVar variation 530301 (VCV000530301.15), dbSNP rs1339743866, ClinGen allele CA626806702.

ClinVar aggregate classification (germline): Pathogenic/Likely pathogenic. Review status: criteria provided, multiple submitters, no conflicts (2 of 4 stars). 6 submissions from 6 submitters: Pathogenic (5); Likely pathogenic (1). Last evaluated 2025-11-17.

Conditions:
Hereditary cancer-predisposing syndrome. Also called: Neoplastic Syndromes, Hereditary; Hereditary neoplastic syndrome; Tumor predisposition; Hereditary Cancer Syndrome. Identifiers: Orphanet 140162, MedGen C0027672, MeSH D009386, MONDO:0015356.
Fanconi anemia complementation group J. Also called: BRIP1-Related Fanconi Anemia. Identifiers: Orphanet 84, MedGen C1836860, MONDO:0012187, OMIM 609054.
Familial cancer of breast. Also called: BREAST CANCER, FAMILIAL; hereditary breast carcinoma; Hereditary breast cancer. Identifiers: Orphanet 227535, MedGen C0346153, MONDO:0016419, OMIM 114480. Disease mechanism: loss of function.

Allele frequency attached by ClinVar (database versions not stated): gnomAD exomes below 0.00001; gnomAD 0.00001.

Submissions (6):

Women's Health and Genetics/Laboratory Corporation of America, LabCorp
Classification: Pathogenic for Fanconi anemia complementation group J. Last evaluated: 2025-11-17. Review status: criteria provided, single submitter. Criteria: LabCorp Variant Classification Summary - May 2015. Collection method: clinical testing. Allele origin: germline.
Comment: Variant summary: BRIP1 c.1594dupA (p.Met532AsnfsX4) results in a premature termination codon, predicted to cause absence of the protein due to nonsense mediated decay, which is a commonly known mechanism for disease. The variant was absent in 251326 control chromosomes. To our knowledge, no occurrence of c.1594dupA in individuals affected with BRIP1-related conditions and no experimental evidence demonstrating its impact on protein function have been reported. ClinVar contains an entry for this variant (Variation ID: 530301). Based on the evidence outlined above, the variant was classified as pathogenic.

Laboratory of Genetics, Children's Clinical University Hospital Latvia
Classification: Pathogenic. Last evaluated: 2025-02-16. Review status: criteria provided, single submitter. Criteria: ACMG Guidelines, 2015. Collection method: clinical testing. Allele origin: germline. Affected: yes.

Labcorp Genetics (formerly Invitae), Labcorp
Classification: Pathogenic for Familial cancer of breast; Fanconi anemia complementation group J. Last evaluated: 2024-03-11. Review status: criteria provided, single submitter. Criteria: Invitae Variant Classification Sherloc (09022015). Collection method: clinical testing. Allele origin: germline.
Comment: This sequence change creates a premature translational stop signal (p.Met532Asnfs*4) in the BRIP1 gene. It is expected to result in an absent or disrupted protein product. Loss-of-function variants in BRIP1 are known to be pathogenic (PMID: 16116423, 17033622, 21964575). This variant is present in population databases (no rsID available, gnomAD 0.007%). This variant has not been reported in the literature in individuals affected with BRIP1-related conditions. ClinVar contains an entry for this variant (Variation ID: 530301). Algorithms developed to predict the effect of sequence changes on RNA splicing suggest that this variant may disrupt the consensus splice site. For these reasons, this variant has been classified as Pathogenic.

Baylor Genetics
Classification: Likely pathogenic for Familial cancer of breast. Last evaluated: 2024-01-31. Review status: criteria provided, single submitter. Criteria: ACMG Guidelines, 2015. Collection method: clinical testing. Allele origin: unknown.

Myriad Genetics, Inc.
Classification: Pathogenic for Familial cancer of breast. Last evaluated: 2023-06-02. Review status: criteria provided, single submitter. Criteria: Myriad Autosomal Dominant, Autosomal Recessive and X-Linked Classification Criteria (2023). Collection method: clinical testing. Allele origin: unknown.
Comment: This variant is considered pathogenic. This variant creates a frameshift predicted to result in premature protein truncation.

Ambry Genetics
Classification: Pathogenic for Hereditary cancer-predisposing syndrome. Last evaluated: 2019-09-26. Review status: criteria provided, single submitter. Criteria: Ambry Variant Classification Scheme 2023. Collection method: clinical testing. Allele origin: germline.
Comment: The c.1594dupA pathogenic mutation, located in coding exon 10 of the BRIP1 gene, results from a duplication of A at nucleotide position 1594, causing a translational frameshift with a predicted alternate stop codon (p.M532Nfs*4). This alteration is expected to result in loss of function by premature protein truncation or nonsense-mediated mRNA decay. As such, this alteration is interpreted as a disease-causing mutation.

Literature cited by the submitters: PubMed 16116423 (cited by Labcorp Genetics (formerly Invitae), Labcorp); PubMed 17033622 (cited by Labcorp Genetics (formerly Invitae), Labcorp); PubMed 21964575 (cited by Labcorp Genetics (formerly Invitae), Labcorp).